The following is an entry in ClinVar:

ClinVar aggregate classification (germline): Uncertain significance (1 of 4 stars; one submission).

Submission:

Labcorp Genetics (formerly Invitae), Labcorp
Classification: Uncertain significance. Last evaluated: 2021-06-09. Review status: criteria provided, single submitter. Criteria: Invitae Variant Classification Sherloc (09022015). Collection method: clinical testing. Allele origin: germline.
Comment: Algorithms developed to predict the effect of sequence changes on RNA splicing suggest that this variant may create or strengthen a splice site, but this prediction has not been confirmed by published transcriptional studies. This sequence change falls in intron 4 of the ELOVL4 gene. It does not directly change the encoded amino acid sequence of the ELOVL4 protein. This variant is not present in population databases (ExAC no frequency). This variant has not been reported in the literature in individuals with ELOVL4-related conditions. In summary, the available evidence is currently insufficient to determine the role of this variant in disease. Therefore, it has been classified as a Variant of Uncertain Significance.

NM_022726.4(ELOVL4):c.542-18C>G

Gene: ELOVL4 (ELOVL fatty acid elongase 4; minus strand). Cytogenetic location: 6q14.1.
Variant type: single nucleotide variant.
Coding change: c.542-18C>G on transcript NM_022726.4 (MANE Select); 18 bases into the intron before coding-DNA position 542, C replaced by G.
Molecular consequence: intron variant.
Genome position (GRCh38, 1-based): chr6:79,919,565, G>C on the plus strand (C>G on the coding strand, the complement: ELOVL4 is on the minus strand). VCF-style: chr6-79919565-G-C. GRCh37 (hg19) VCF-style: chr6-80629282-G-C.
Identifiers: ClinVar variation 1511917 (VCV001511917.8), dbSNP rs2127698062, ClinGen allele CA2573141257.